The following is an entry in ClinVar:

ClinVar aggregate classification (germline): Uncertain significance (1 of 4 stars; one submission).

Allele frequency attached by ClinVar (database versions not stated): gnomAD exomes below 0.00001; TOPMed below 0.00001; gnomAD 0.00001.
gnomAD v4.1: 3 of 1,613,990 alleles (0.00019%); highest among the groups gnomAD compares: Non-Finnish European, 0.00025%; no homozygotes.

Submission:

Ambry Genetics
Classification: Uncertain significance. Last evaluated: 2024-05-24. Review status: criteria provided, single submitter. Criteria: Ambry Variant Classification Scheme 2023. Collection method: clinical testing. Allele origin: germline.
Comment: The p.T1069A variant (also known as c.3205A>G), located in coding exon 17 of the NPAT gene, results from an A to G substitution at nucleotide position 3205. The threonine at codon 1069 is replaced by alanine, an amino acid with similar properties. This amino acid position is conserved. In addition, this alteration is predicted to be tolerated by in silico analysis. Since supporting evidence is limited at this time, the clinical significance of this alteration remains unclear.

NM_002519.3(NPAT):c.3205A>G (p.Thr1069Ala)

Gene: NPAT (nuclear protein, coactivator of histone transcription; minus strand). Cytogenetic location: 11q22.3.
Variant type: single nucleotide variant.
Coding change: c.3205A>G on transcript NM_002519.3 (MANE Select); coding-DNA position 3205, A replaced by G.
Protein change: p.Thr1069Ala; replaces threonine 1069 with alanine.
Molecular consequence: missense variant.
Genome position (GRCh38, 1-based): chr11:108,161,881, T>C on the plus strand (A>G on the coding strand, the complement: NPAT is on the minus strand). VCF-style: chr11-108161881-T-C. GRCh37 (hg19) VCF-style: chr11-108032608-T-C.
Other names: c.3226A>G, p.Thr1076Ala (NM_001321307.1); short protein forms T1076A, T1069A.
Identifiers: ClinVar variation 1728858 (VCV001728858.3), dbSNP rs1418127321, ClinGen allele CA382511311.